The following is an entry in ClinVar:

NM_031885.5(BBS2):c.140C>T (p.Thr47Ile)

Gene: BBS2 (Bardet-Biedl syndrome 2; minus strand). Cytogenetic location: 16q13.
Variant type: single nucleotide variant.
Coding change: c.140C>T on transcript NM_031885.5 (MANE Select); coding-DNA position 140, C replaced by T.
Protein change: p.Thr47Ile; replaces threonine 47 with isoleucine.
Molecular consequence: missense variant. On other transcripts: non-coding transcript variant (5).
Genome position (GRCh38, 1-based): chr16:56,514,658, G>A on the plus strand (C>T on the coding strand, the complement: BBS2 is on the minus strand). VCF-style: chr16-56514658-G-A. GRCh37 (hg19) VCF-style: chr16-56548570-G-A.
Other names: c.140C>T, p.Thr47Ile (NM_001377456.1); short protein forms T47I.
Identifiers: ClinVar variation 3348640 (VCV003348640.1).

ClinVar aggregate classification (germline): Uncertain significance (0 of 4 stars; one submission).

Conditions:
BBS2-related disorder. Also called: BBS2-related disorders; BBS2-related condition. Identifiers: MedGen CN239228.

gnomAD v4.1: 3 of 1,613,788 alleles (0.00019%); highest among the groups gnomAD compares: Non-Finnish European, 0.00025%; no homozygotes.

Submission:

PreventionGenetics, part of Exact Sciences
Classification: Uncertain significance for BBS2-related condition. Last evaluated: 2024-03-04. Review status: no assertion criteria provided. Collection method: clinical testing. Allele origin: germline.
Comment: The BBS2 c.140C>T variant is predicted to result in the amino acid substitution p.Thr47Ile. To our knowledge, this variant has not been reported in the literature or in a large population database, indicating this variant is rare. At this time, the clinical significance of this variant is uncertain due to the absence of conclusive functional and genetic evidence.